The following is an entry in ClinVar:

NM_000548.5(TSC2):c.3662C>T (p.Ser1221Leu)

Gene: TSC2 (TSC complex subunit 2; plus strand). Cytogenetic location: 16p13.3.
Variant type: single nucleotide variant.
Coding change: c.3662C>T on transcript NM_000548.5 (MANE Select); coding-DNA position 3662, C replaced by T.
Protein change: p.Ser1221Leu; replaces serine 1221 with leucine.
Molecular consequence: missense variant.
Genome position (GRCh38, 1-based): chr16:2,081,646, C>T. VCF-style: chr16-2081646-C-T. GRCh37 (hg19) VCF-style: chr16-2131647-C-T.
Other names: c.3530C>T, p.Ser1177Leu (NM_001077183.3, NM_001370404.1); c.3662C>T, p.Ser1221Leu (NM_001114382.3); c.3422C>T, p.Ser1141Leu (NM_001318827.2); c.3386C>T, p.Ser1129Leu (NM_001318829.2); c.2930C>T, p.Ser977Leu (NM_001318831.2); c.3563C>T, p.Ser1188Leu (NM_001318832.2); c.3533C>T, p.Ser1178Leu (NM_001363528.2, NM_001370405.1, NM_021055.3); c.3662C>T (NM_000548.4); short protein forms S1129L, S1178L, S1141L, S1177L, S977L, S1188L, S1221L.
Identifiers: ClinVar variation 943389 (VCV000943389.11), dbSNP rs45517305, ClinGen allele CA394292082.

ClinVar aggregate classification (germline): Conflicting classifications of pathogenicity. Review status: criteria provided, conflicting classifications (1 of 4 stars). 3 submissions from 3 submitters: Uncertain significance (1); Benign (1). 1 of the submissions does not count toward it. Last evaluated 2025-05-05.

Conditions:
TSC2-related disorder. Also called: TSC2-related condition; TSC2-Related Disorders.
Tuberous sclerosis 2 (TSC2). Identifiers: Orphanet 805, MedGen C1860707, MONDO:0013199, OMIM 613254.
Hereditary cancer-predisposing syndrome. Also called: Neoplastic Syndromes, Hereditary; Hereditary neoplastic syndrome; Hereditary Cancer Syndrome; Tumor predisposition. Identifiers: Orphanet 140162, MedGen C0027672, MeSH D009386, MONDO:0015356.

Allele frequency attached by ClinVar (database versions not stated): TOPMed 0.00001.
gnomAD v4.1: 4 of 1,612,956 alleles (0.00025%); highest among the groups gnomAD compares: African/African-American, 0.0013%; no homozygotes.

Submissions (3):

Labcorp Genetics (formerly Invitae), Labcorp
Classification: Benign for Tuberous sclerosis 2. Last evaluated: 2025-05-05. Review status: criteria provided, single submitter. Criteria: Invitae Variant Classification Sherloc (09022015). Collection method: clinical testing. Allele origin: germline.

Ambry Genetics
Classification: Uncertain significance for Hereditary cancer-predisposing syndrome. Last evaluated: 2024-01-02. Review status: criteria provided, single submitter. Criteria: Ambry Variant Classification Scheme 2023. Collection method: clinical testing. Allele origin: germline.
Comment: The p.S1221L variant (also known as c.3662C>T), located in coding exon 30 of the TSC2 gene, results from a C to T substitution at nucleotide position 3662. The serine at codon 1221 is replaced by leucine, an amino acid with dissimilar properties. This amino acid position is highly conserved in available vertebrate species. In addition, this alteration is predicted to be deleterious by in silico analysis. Since supporting evidence is limited at this time, the clinical significance of this alteration remains unclear.

PreventionGenetics, part of Exact Sciences
Classification: Uncertain significance for TSC2-related condition. Last evaluated: 2024-07-12. Review status: no assertion criteria provided. Collection method: clinical testing. Allele origin: germline. Not counted in ClinVar's aggregate classification.
Comment: The TSC2 c.3662C>T variant is predicted to result in the amino acid substitution p.Ser1221Leu. To our knowledge, this variant has not been reported in the literature or in a large population database, indicating it is rare. At this time, the clinical significance of this variant is uncertain due to the absence of conclusive functional and genetic evidence.